The following is an entry in ClinVar:

ClinVar aggregate classification (germline): Pathogenic (1 of 4 stars; one submission).

Submission:

Labcorp Genetics (formerly Invitae), Labcorp
Classification: Pathogenic. Last evaluated: 2022-06-02. Review status: criteria provided, single submitter. Criteria: Invitae Variant Classification Sherloc (09022015). Collection method: clinical testing. Allele origin: germline.
Comment: This sequence change creates a premature translational stop signal (p.Glu15Alafs*65) in the XPC gene. It is expected to result in an absent or disrupted protein product. Loss-of-function variants in XPC are known to be pathogenic (PMID: 23173980, 25256075). For these reasons, this variant has been classified as Pathogenic. This variant has not been reported in the literature in individuals affected with XPC-related conditions. This variant is not present in population databases (gnomAD no frequency).

Literature cited by the submitters: PubMed 23173980; PubMed 25256075.

NM_004628.5(XPC):c.42_43dup (p.Glu15fs)

Genes: XPC (XPC complex subunit, DNA damage recognition and repair factor; minus strand), LOC129936244 (ATAC-STARR-seq lymphoblastoid active region 19500; plus strand). Cytogenetic location: 3p25.1.
Variant type: Microsatellite.
Coding change: c.42_43dup on transcript NM_004628.5 (MANE Select); coding-DNA positions 42 to 43, 2 bases duplicated (CG; older notation c.42_43dupCG).
Protein change: p.Glu15fs; shifts the reading frame from glutamic acid 15.
Molecular consequence: frameshift variant. On other transcripts: 5 prime UTR variant (1), non-coding transcript variant (2).
Genome position (GRCh38, 1-based): chr3:14,178,526-14,178,527, CG duplicated on the plus strand (CG on the coding strand, the reverse complement: XPC is on the minus strand); duplicating any 2 consecutive bases within chr3:14,178,526-14,178,529 gives the same sequence; the c. name uses the placement nearest the transcript's 3' end. VCF-style (leftmost placement, unchanged base first): chr3-14178525-T-TCG. GRCh37 (hg19) VCF-style: chr3-14220025-T-TCG.
Other names: c.-416CG[3] (NM_001354726.2); c.42_43dup, p.Glu15fs (NM_001354727.2, NM_001354729.2, NM_001354730.2); short protein forms E15fs.
Identifiers: ClinVar variation 1403159 (VCV001403159.6), dbSNP rs2125053499, ClinGen allele CA2580614146.